The following is an entry in ClinVar:

NM_024408.4(NOTCH2):c.3053C>A (p.Thr1018Asn)

Gene: NOTCH2 (notch receptor 2; minus strand). Cytogenetic location: 1p12.
Variant type: single nucleotide variant.
Coding change: c.3053C>A on transcript NM_024408.4 (MANE Select); coding-DNA position 3053, C replaced by A.
Protein change: p.Thr1018Asn; replaces threonine 1018 with asparagine.
Molecular consequence: missense variant.
Genome position (GRCh38, 1-based): chr1:119,940,685, G>T on the plus strand (C>A on the coding strand, the complement: NOTCH2 is on the minus strand). VCF-style: chr1-119940685-G-T. GRCh37 (hg19) VCF-style: chr1-120483308-G-T.
Other names: c.3053C>A, p.Thr1018Asn (NM_001200001.2); short protein forms T1018N.
Identifiers: ClinVar variation 1720672 (VCV001720672.6), dbSNP rs1553196345, ClinGen allele CA341854755.

ClinVar aggregate classification (germline): Uncertain significance (1 of 4 stars; one submission).

Conditions:
Hajdu-Cheney syndrome (HJCYS). Also called: SERPENTINE FIBULA-POLYCYSTIC KIDNEY SYNDROME; Acroosteolysis dominant type; ACROOSTEOLYSIS WITH OSTEOPOROSIS AND CHANGES IN SKULL AND MANDIBLE. Identifiers: Orphanet 955, MedGen C0917715, MONDO:0007057, OMIM 102500.

Submission:

Labcorp Genetics (formerly Invitae), Labcorp
Classification: Uncertain significance for Hajdu-Cheney syndrome. Last evaluated: 2022-09-29. Review status: criteria provided, single submitter. Criteria: Invitae Variant Classification Sherloc (09022015). Collection method: clinical testing. Allele origin: germline.
Comment: This sequence change replaces threonine, which is neutral and polar, with asparagine, which is neutral and polar, at codon 1018 of the NOTCH2 protein (p.Thr1018Asn). This variant is not present in population databases (gnomAD no frequency). This variant has not been reported in the literature in individuals affected with NOTCH2-related conditions. Advanced modeling of protein sequence and biophysical properties (such as structural, functional, and spatial information, amino acid conservation, physicochemical variation, residue mobility, and thermodynamic stability) performed at Invitae indicates that this missense variant is not expected to disrupt NOTCH2 protein function. In summary, the available evidence is currently insufficient to determine the role of this variant in disease. Therefore, it has been classified as a Variant of Uncertain Significance.